The following is an entry in ClinVar:

NM_000975.5(RPL11):c.463_508-69del

Gene: RPL11 (ribosomal protein L11; plus strand). Cytogenetic location: 1p36.11.
Variant type: Deletion.
Coding change: c.463_508-69del on transcript NM_000975.5 (MANE Select); coding-DNA position 463 through 69 bases into the intron before coding-DNA position 508, 412 bases deleted.
Molecular consequence: splice donor variant.
Genome position (GRCh38, 1-based): chr1:23,695,864-23,696,275, 412 bases deleted. GRCh37 (hg19): chr1:24,022,354-24,022,765.
Other names: c.460_505-69del (NM_001199802.1).
Identifiers: ClinVar variation 2006594 (VCV002006594.4), dbSNP rs2523403048, ClinGen allele CA2580061512.

ClinVar aggregate classification (germline): Uncertain significance (1 of 4 stars; one submission).

Conditions:
Diamond-Blackfan anemia. Also called: Blackfan Diamond syndrome; Aregenerative anemia chronic congenital; Red cell aplasia, pure hereditary; Congenital hypoplastic anemia; Aase syndrome. Identifiers: Orphanet 124, MedGen C1260899, MeSH D029503, MONDO:0015253, HP:0004810.

Submission:

Labcorp Genetics (formerly Invitae), Labcorp
Classification: Uncertain significance for Diamond-Blackfan anemia. Last evaluated: 2022-06-14. Review status: criteria provided, single submitter. Criteria: Invitae Variant Classification Sherloc (09022015). Collection method: clinical testing. Allele origin: germline.
Comment: This variant has not been reported in the literature in individuals affected with RPL11-related conditions. In summary, the available evidence is currently insufficient to determine the role of this variant in disease. Therefore, it has been classified as a Variant of Uncertain Significance. This variant disrupts a region of the RPL11 protein in which other variant(s) (p.Glu161del) have been observed in individuals with RPL11-related conditions (PMID: 19061985). This suggests that this is a clinically significant region of the protein, and that variants that disrupt it are likely to be disease-causing. Variants that disrupt the consensus splice site are a relatively common cause of aberrant splicing (PMID: 17576681, 9536098). This variant is not present in population databases (gnomAD no frequency). This variant results in the deletion of part of exon 5 (c.463_508-69del) of the RPL11 gene. While this variant is not anticipated to result in nonsense mediated decay, it likely alters RNA splicing and results in a disrupted protein product.

Literature cited by the submitters: PubMed 19061985; PubMed 17576681; PubMed 9536098.